The following is an entry in ClinVar:

ClinVar aggregate classification (germline): Pathogenic/Likely pathogenic. Review status: criteria provided, multiple submitters, no conflicts (2 of 4 stars). 4 submissions from 4 submitters: Pathogenic (1); Likely pathogenic (2). 1 of the submissions does not count toward it. Last evaluated 2025-11-24.

Conditions:
Familial cancer of breast. Also called: BREAST CANCER, FAMILIAL; Hereditary breast cancer; hereditary breast carcinoma. Identifiers: Orphanet 227535, MedGen C0346153, MONDO:0016419, OMIM 114480. Disease mechanism: loss of function.
Hereditary cancer-predisposing syndrome. Also called: Neoplastic Syndromes, Hereditary; Hereditary Cancer Syndrome; Tumor predisposition; Hereditary neoplastic syndrome. Identifiers: Orphanet 140162, MedGen C0027672, MeSH D009386, MONDO:0015356.

Submissions (4):

Labcorp Genetics (formerly Invitae), Labcorp
Classification: Pathogenic for Familial cancer of breast. Last evaluated: 2025-11-24. Review status: criteria provided, single submitter. Criteria: Invitae Variant Classification Sherloc (09022015). Collection method: clinical testing. Allele origin: germline.
Comment: This sequence change affects an acceptor splice site in intron 11 of the PALB2 gene. RNA analysis indicates that disruption of this splice site induces altered splicing and may result in an absent or altered protein product. This variant is not present in population databases (gnomAD no frequency). This variant has not been reported in the literature in individuals affected with PALB2-related conditions. ClinVar contains an entry for this variant (Variation ID: 402306). Studies have shown that disruption of this splice site results in activation of a cryptic splice site, and produces a non-functional protein and/or introduces a premature termination codon (internal data). For these reasons, this variant has been classified as Pathogenic.

Ambry Genetics
Classification: Likely pathogenic for Hereditary cancer-predisposing syndrome. Last evaluated: 2025-07-21. Review status: criteria provided, single submitter. Criteria: Ambry Variant Classification Scheme 2023. Collection method: clinical testing. Allele origin: germline.
Comment: The c.3202-2A>C intronic variant results from an A to C substitution two nucleotides upstream from coding exon 12 in the PALB2 gene. This variant is considered to be rare based on population cohorts in the Genome Aggregation Database (gnomAD). This nucleotide position is well conserved in available vertebrate species. In silico splice site analysis predicts that this alteration may weaken the native splice acceptor site; however, direct evidence is insufficient at this time (Ambry internal data). Alterations that disrupt the canonical splice site are expected to cause aberrant splicing, resulting in an abnormal protein or a transcript that is subject to nonsense-mediated mRNA decay. As such, this alteration is classified as likely pathogenic.

Myriad Genetics, Inc.
Classification: Likely pathogenic for Familial cancer of breast. Last evaluated: 2023-03-30. Review status: criteria provided, single submitter. Criteria: Myriad Autosomal Dominant, Autosomal Recessive and X-Linked Classification Criteria (2023). Collection method: clinical testing. Allele origin: unknown.
Comment: This variant is considered likely pathogenic. This variant occurs within a consensus splice junction and is predicted to result in abnormal mRNA splicing of either an out-of-frame exon or an in-frame exon necessary for protein stability and/or normal function.

Counsyl
Classification: Likely pathogenic for Familial cancer of breast. Last evaluated: 2017-02-03. Review status: no assertion criteria provided. Collection method: clinical testing. Allele origin: unknown. Not counted in ClinVar's aggregate classification.

NM_024675.4(PALB2):c.3202-2A>C

Gene: PALB2 (partner and localizer of BRCA2; minus strand). Cytogenetic location: 16p12.2.
Variant type: single nucleotide variant.
Coding change: c.3202-2A>C on transcript NM_024675.4 (MANE Select); the canonical splice acceptor site of the intron before coding-DNA position 3202, A replaced by C.
Molecular consequence: splice acceptor variant. On other transcripts: intron variant (8).
Genome position (GRCh38, 1-based): chr16:23,608,014, T>G on the plus strand (A>C on the coding strand, the complement: PALB2 is on the minus strand). VCF-style: chr16-23608014-T-G. GRCh37 (hg19) VCF-style: chr16-23619335-T-G.
Other names: c.2229-4345A>C (NM_001407308.1, NM_001407309.1); c.2317-2A>C (NM_001407306.1, NM_001407305.1, NM_001407304.1); c.736-2A>C (NM_001407314.1); c.1414-4345A>C (NM_001407313.1); c.1414-2A>C (NM_001407312.1); c.3142-2A>C (NM_001407296.1); c.3130-2A>C (NM_001407297.1); c.3040-4345A>C (NM_001407302.1); and 6 more.
Identifiers: ClinVar variation 402306 (VCV000402306.19), dbSNP rs1060499827, ClinGen allele CA16609588.